The following is an entry in ClinVar:

NM_002234.4(KCNA5):c.1661G>A (p.Arg554Gln)

Gene: KCNA5 (potassium voltage-gated channel subfamily A member 5; plus strand). Cytogenetic location: 12p13.32.
Variant type: single nucleotide variant.
Coding change: c.1661G>A on transcript NM_002234.4 (MANE Select); coding-DNA position 1661, G replaced by A.
Protein change: p.Arg554Gln; replaces arginine 554 with glutamine.
Molecular consequence: missense variant.
Genome position (GRCh38, 1-based): chr12:5,045,808, G>A. VCF-style: chr12-5045808-G-A. GRCh37 (hg19) VCF-style: chr12-5154974-G-A.
Other names: short protein forms R554Q.
Identifiers: ClinVar variation 966389 (VCV000966389.9), dbSNP rs71581016, ClinGen allele CA6399916.
Genomic context (GRCh38, chr12:5,045,808, plus strand): 5'-TCCTTAAGGAAGAGCAGGGCACTCAGAGCCAGGGGCCGGGGCTGGACAGAGGAGTCCAGC[G>A]GAAGGTCAGCGGGAGCAGGGGATCCTTCTGCAAGGCTGGGGGGACCCTGGAGAATGCAGA-3'
Protein context (NP_002225.2, residues 544-564): QGPGLDRGVQ[Arg554Gln]KVSGSRGSFC

ClinVar aggregate classification (germline): Uncertain significance (1 of 4 stars; one submission).

Conditions:
Atrial fibrillation, familial, 7 (ATFB7). Identifiers: MedGen C2677106, MONDO:0012828, OMIM 612240.

Allele frequency attached by ClinVar (database versions not stated): ExAC 0.00004; TOPMed 0.00010; gnomAD 0.00011; ESP Exome Variant Server 0.00023.
gnomAD v4.1: 47 of 1,614,006 alleles (0.0029%); highest among the groups gnomAD compares: African/African-American, 0.023%; no homozygotes.

Submission:

Labcorp Genetics (formerly Invitae), Labcorp
Classification: Uncertain significance for Atrial fibrillation, familial, 7. Last evaluated: 2025-08-13. Review status: criteria provided, single submitter. Criteria: Invitae Variant Classification Sherloc (09022015). Collection method: clinical testing. Allele origin: germline.
Comment: This sequence change replaces arginine, which is basic and polar, with glutamine, which is neutral and polar, at codon 554 of the KCNA5 protein (p.Arg554Gln). This variant is present in population databases (rs71581016, gnomAD 0.03%). This missense change has been observed in individual(s) with coronary artery disease (PMID: 24068186). ClinVar contains an entry for this variant (Variation ID: 966389). An algorithm developed to predict the effect of missense changes on protein structure and function (PolyPhen-2) suggests that this variant is likely to be tolerated. In summary, the available evidence is currently insufficient to determine the role of this variant in disease. Therefore, it has been classified as a Variant of Uncertain Significance.

Literature cited by the submitters: PubMed 24068186.